The following is an entry in ClinVar:

NM_000111.3(SLC26A3):c.610T>G (p.Tyr204Asp)

Gene: SLC26A3 (solute carrier family 26 member 3; minus strand). Cytogenetic location: 7q22.3.
Variant type: single nucleotide variant.
Coding change: c.610T>G on transcript NM_000111.3 (MANE Select); coding-DNA position 610, T replaced by G.
Protein change: p.Tyr204Asp; replaces tyrosine 204 with aspartic acid.
Molecular consequence: missense variant.
Genome position (GRCh38, 1-based): chr7:107,789,649, A>C on the plus strand (T>G on the coding strand, the complement: SLC26A3 is on the minus strand). VCF-style: chr7-107789649-A-C. GRCh37 (hg19) VCF-style: chr7-107430094-A-C.
Other names: short protein forms Y204D.
Identifiers: ClinVar variation 56006 (VCV000056006.3), dbSNP rs386833487, ClinGen allele CA144109.
Genomic context (GRCh38, chr7:107,789,649, plus strand): 5'-AAACCAAAACATGAACAGCAGCAGCAGTAGTGAAGCCACTGATGAGGGACTCAGACAGGT[A>C]TATCACTACAAATCCAATCCGCAGAATCCCAAAAGCCAACTGGAAAGAGAACAAAAGCCT-3'
Protein context (NP_000102.1, residues 194-214): GILRIGFVVI[Tyr204Asp]LSESLISGFT

ClinVar aggregate classification (germline): Uncertain significance. Review status: criteria provided, single submitter (1 of 4 stars). 2 submissions from 2 submitters: Uncertain significance (1). 1 of the submissions does not count toward it. Last evaluated 2024-08-26.

Conditions:
Congenital secretory diarrhea, chloride type (DIAR1). Also called: DIARRHEA 1, SECRETORY CHLORIDE, CONGENITAL; CHLORIDORRHEA, CONGENITAL; CHLORIDE DIARRHEA, CONGENITAL, FINNISH TYPE. Identifiers: Orphanet 53689, MedGen C0267662, MONDO:0008964, OMIM 214700.

Submissions (2):

Women's Health and Genetics/Laboratory Corporation of America, LabCorp
Classification: Uncertain significance. Last evaluated: 2024-08-26. Review status: criteria provided, single submitter. Criteria: LabCorp Variant Classification Summary - May 2015. Collection method: clinical testing. Allele origin: germline.
Comment: Variant summary: SLC26A3 c.610T>G (p.Tyr204Asp) results in a non-conservative amino acid change located in the SLC26A/SulP transporter domain (IPR011547) of the encoded protein sequence. Five of five in-silico tools predict a damaging effect of the variant on protein function. The variant was absent in 250968 control chromosomes. The available data on variant occurrences in the general population are insufficient to allow any conclusion about variant significance. c.610T>G has been reported in the literature in at least one compound heterozygous individual and an individual with unknown zygosity affected with Congenital secretory diarrhea, chloride type (Wedenoja_2011, Rapp_2017). These data do not allow any conclusion about variant significance. To our knowledge, no experimental evidence demonstrating an impact on protein function has been reported. The following publications have been ascertained in the context of this evaluation (PMID: 21394828, 28941661). ClinVar contains an entry for this variant (Variation ID: 56006). Based on the evidence outlined above, the variant was classified as uncertain significance.

Juha Muilu Group; Institute for Molecular Medicine Finland (FIMM)
Classification: Likely pathogenic for Congenital secretory diarrhea, chloride type. Review status: no assertion criteria provided. Collection method: not provided. Allele origin: unknown. Not counted in ClinVar's aggregate classification.
Comment: FinDis database variant: This variant was not found or characterized by our laboratory, data were collected from public sources: see reference
ClinVar note: Converted during submission from probable-pathogenic to Likely pathogenic.

Literature cited by the submitters: PubMed 28941661 (cited by Women's Health and Genetics/Laboratory Corporation of America, LabCorp); PubMed 21394828 (cited by Women's Health and Genetics/Laboratory Corporation of America, LabCorp).